The following is an entry in ClinVar:

ClinVar aggregate classification (germline): Likely pathogenic. Review status: criteria provided, multiple submitters, no conflicts (2 of 4 stars). 2 submissions from 2 submitters: Likely pathogenic (2). Last evaluated 2024-02-22.

Conditions:
X-linked Alport syndrome (ATS1). Also called: COL4A5-Related Nephropathy; NEPHROPATHY AND DEAFNESS, X-LINKED. Identifiers: Orphanet 63, Orphanet 88917, MedGen C4746986, MONDO:0010520, OMIM 301050.

Submissions (2):

3billion
Classification: Likely pathogenic for X-linked Alport syndrome. Last evaluated: 2024-02-22. Review status: criteria provided, single submitter. Criteria: ACMG Guidelines, 2015. Collection method: clinical testing. Allele origin: germline. Affected: yes.
Comment: The variant is not observed in the gnomAD v2.1.1 dataset. Predicted Consequence/Location: The variant is located in a mutational hot spot and/or well-established functional domain in which established pathogenic variants have been reported. In silico tool predictions suggest damaging effect of the variant on gene or gene product [REVEL: 0.94 (>=0.6, sensitivity 0.68 and specificity 0.92); 3Cnet: 0.90 (>=0.6, sensitivity 0.72 and precision 0.9)]. Same nucleotide change resulting in same amino acid change has been previously reported to be associated with COL4A5 related disorder (ClinVar ID: VCV001077049).Different missense changes at the same codon (p.Gly644Asp, p.Gly644Val) have been reported to be associated with COL4A5 related disorder (ClinVar ID: VCV002138698 /PMID: 24854265, 30883042). Therefore, this variant is classified as Likely pathogenic according to the recommendation of ACMG/AMP guideline.

Precision Medicine Center, Zhengzhou University
Classification: Likely pathogenic for X-linked Alport syndrome. Review status: criteria provided, single submitter. Criteria: ACMG Guidelines, 2015. Collection method: research. Allele origin: germline. Affected: yes.
Comment: PM1:Located in a mutational hot spot PM2:not found in gnomAD PP2:Missense variant in a gene that has a low rate of benign missense variation and in which missense variants are a common mechanism of disease PP3:Multiple lines of computational evidence support a deleterious effect on the gene or gene product

Literature cited by the submitters: PubMed 24854265 (cited by 3billion).

NM_033380.3(COL4A5):c.1930G>T (p.Gly644Cys)

Gene: COL4A5 (collagen type IV alpha 5 chain; plus strand). Cytogenetic location: Xq22.3.
Variant type: single nucleotide variant.
Coding change: c.1930G>T on transcript NM_033380.3 (MANE Select); coding-DNA position 1930, G replaced by T.
Protein change: p.Gly644Cys; replaces glycine 644 with cysteine.
Molecular consequence: missense variant.
Genome position (GRCh38, 1-based): chrX:108,598,852, G>T. VCF-style: chrX-108598852-G-T. GRCh37 (hg19) VCF-style: chrX-107842082-G-T.
Other names: c.1930G>T, p.Gly644Cys (NM_000495.5); short protein forms G644C.
Identifiers: ClinVar variation 1077049 (VCV001077049.2), dbSNP rs2147813821, ClinGen allele CA413845895.